The following is an entry in ClinVar:

NM_003924.4(PHOX2B):c.445C>T (p.Arg149Cys)

Gene: PHOX2B (paired like homeobox 2B; minus strand). Cytogenetic location: 4p13.
Variant type: single nucleotide variant.
Coding change: c.445C>T on transcript NM_003924.4 (MANE Select); coding-DNA position 445, C replaced by T.
Protein change: p.Arg149Cys; replaces arginine 149 with cysteine.
Molecular consequence: missense variant.
Genome position (GRCh38, 1-based): chr4:41,746,307, G>A on the plus strand (C>T on the coding strand, the complement: PHOX2B is on the minus strand). VCF-style: chr4-41746307-G-A. GRCh37 (hg19) VCF-style: chr4-41748324-G-A.
Other names: short protein forms R149C.
Identifiers: ClinVar variation 5026588 (VCV005026588.1).

ClinVar aggregate classification (germline): Uncertain significance (1 of 4 stars; one submission).

Conditions:
Hereditary cancer-predisposing syndrome. Also called: Neoplastic Syndromes, Hereditary; Tumor predisposition; Hereditary neoplastic syndrome; Hereditary Cancer Syndrome. Identifiers: Orphanet 140162, MedGen C0027672, MeSH D009386, MONDO:0015356.

Submission:

Ambry Genetics
Classification: Uncertain significance for Hereditary cancer-predisposing syndrome. Last evaluated: 2026-07-07. Review status: criteria provided, single submitter. Criteria: Ambry Variant Classification Scheme 2023. Collection method: clinical testing. Allele origin: germline.
Comment: The p.R149C variant (also known as c.445C>T), located in coding exon 3 of the PHOX2B gene, results from a C to T substitution at nucleotide position 445. The arginine at codon 149 is replaced by cysteine, an amino acid with highly dissimilar properties. This amino acid position is conserved. In addition, this alteration is predicted to be deleterious by in silico analysis. Based on the available evidence, the clinical significance of this variant remains unclear.